The following is an entry in ClinVar:

ClinVar aggregate classification (germline): Benign/Likely benign. Review status: criteria provided, multiple submitters, no conflicts (2 of 4 stars). 3 submissions from 3 submitters: Benign (1); Likely benign (2). Last evaluated 2026-07-14.

Conditions:
KIF23-related disorder. Also called: KIF23-related condition.

gnomAD v4.1: 78 of 1,614,184 alleles (0.0048%); highest among the groups gnomAD compares: African/African-American, 0.093%; no homozygotes.

Submissions (3):

PreventionGenetics, part of Exact Sciences
Classification: Likely benign for KIF23-related condition. Last evaluated: 2026-07-14. Review status: criteria provided, single submitter. Criteria: ACMG Guidelines, 2015. Collection method: clinical testing. Allele origin: germline.
Comment: This variant is classified as likely benign based on ACMG/AMP sequence variant interpretation guidelines (Richards et al. 2015 PMID: 25741868, with internal and published modifications).

Labcorp Genetics (formerly Invitae), Labcorp
Classification: Benign. Last evaluated: 2025-12-08. Review status: criteria provided, single submitter. Criteria: Invitae Variant Classification Sherloc (09022015). Collection method: clinical testing. Allele origin: germline.

Blueprint Genetics
Classification: Likely benign. Last evaluated: 2022-07-25. Review status: criteria provided, single submitter. Criteria: ACMG Guidelines, 2015. Collection method: clinical testing. Allele origin: germline.

NM_001367805.3(KIF23):c.2232G>A (p.Glu744=)

Gene: KIF23 (kinesin family member 23; plus strand). Cytogenetic location: 15q23.
Variant type: single nucleotide variant.
Coding change: c.2232G>A on transcript NM_001367805.3 (MANE Select); coding-DNA position 2232, G replaced by A.
Protein change: p.Glu744=; no amino-acid change (glutamic acid 744 retained).
Molecular consequence: synonymous variant. On other transcripts: non-coding transcript variant (1), intron variant (1).
Genome position (GRCh38, 1-based): chr15:69,440,890, G>A. VCF-style: chr15-69440890-G-A. GRCh37 (hg19) VCF-style: chr15-69733229-G-A.
Other names: c.1860G>A, p.Glu620= (NM_001281301.2); c.2190G>A, p.Glu730= (NM_001367804.2, NM_138555.4); c.2067+403G>A (NM_004856.7); c.2190G>A (NM_138555.3).
Identifiers: ClinVar variation 3633089 (VCV003633089.4).